The following is an entry in ClinVar:

NM_001010874.5(TECRL):c.275T>G (p.Phe92Cys)

Gene: TECRL (trans-2,3-enoyl-CoA reductase like; minus strand). Cytogenetic location: 4q13.1.
Variant type: single nucleotide variant.
Coding change: c.275T>G on transcript NM_001010874.5 (MANE Select); coding-DNA position 275, T replaced by G.
Protein change: p.Phe92Cys; replaces phenylalanine 92 with cysteine.
Molecular consequence: missense variant.
Genome position (GRCh38, 1-based): chr4:64,375,183, A>C on the plus strand (T>G on the coding strand, the complement: TECRL is on the minus strand). VCF-style: chr4-64375183-A-C. GRCh37 (hg19) VCF-style: chr4-65240901-A-C.
Other names: c.275T>G, p.Phe92Cys (NM_001363796.1); short protein forms F92C.
Identifiers: ClinVar variation 4865412 (VCV004865412.1).

ClinVar aggregate classification (germline): Uncertain significance (1 of 4 stars; one submission).

Conditions:
Cardiovascular phenotype. Identifiers: MedGen CN230736.

gnomAD v4.1: 3 of 1,393,998 alleles (0.00022%); highest among the groups gnomAD compares: Non-Finnish European, 0.00029%; no homozygotes.

Submission:

Ambry Genetics
Classification: Uncertain significance for Cardiovascular phenotype. Last evaluated: 2026-04-02. Review status: criteria provided, single submitter. Criteria: Ambry Variant Classification Scheme 2023. Collection method: clinical testing. Allele origin: germline.
Comment: The p.F92C variant (also known as c.275T>G), located in coding exon 2 of the TECRL gene, results from a T to G substitution at nucleotide position 275. The phenylalanine at codon 92 is replaced by cysteine, an amino acid with highly dissimilar properties. This amino acid position is conserved. In addition, the in silico prediction for this alteration is inconclusive. Based on the available evidence, the clinical significance of this variant remains unclear.